The following is an entry in ClinVar:

NM_000212.3(ITGB3):c.1199G>A (p.Cys400Tyr)

Gene: ITGB3 (integrin subunit beta 3; plus strand). Cytogenetic location: 17q21.32.
Variant type: single nucleotide variant.
Coding change: c.1199G>A on transcript NM_000212.3 (MANE Select); coding-DNA position 1199, G replaced by A.
Protein change: p.Cys400Tyr; replaces cysteine 400 with tyrosine.
Molecular consequence: missense variant.
Genome position (GRCh38, 1-based): chr17:47,291,027, G>A. VCF-style: chr17-47291027-G-A. GRCh37 (hg19) VCF-style: chr17-45368393-G-A.
Other names: C374Y; NM_000212.2(ITGB3):c.1199G>A; short protein forms C400Y.
Identifiers: ClinVar variation 13562 (VCV000013562.10), dbSNP rs121918449, ClinGen allele CA123244.

ClinVar aggregate classification (germline): Pathogenic. Review status: reviewed by expert panel (3 of 4 stars). 3 submissions from 3 submitters: Pathogenic (1). 2 of the submissions do not count toward it. Last evaluated 2024-06-06.

Conditions:
Glanzmann thrombasthenia 2. Also called: BLEEDING DISORDER, PLATELET-TYPE, 23. Identifiers: MedGen C5543273, MONDO:0031009, OMIM 619267.
Glanzmann thrombasthenia. Also called: THROMBASTHENIA OF GLANZMANN AND NAEGELI; BLEEDING DISORDER, PLATELET-TYPE, 2; Thrombasthenia; Glanzmann's thrombasthenia; PLATELET GLYCOPROTEIN IIb-IIIa DEFICIENCY. Identifiers: Orphanet 849, MedGen C0040015, MONDO:0100326.

Submissions (3):

ClinGen Platelet Disorders Variant Curation Expert Panel, ClinGen
Classification: Pathogenic for Glanzmann thrombasthenia. Last evaluated: 2024-06-06. Review status: reviewed by expert panel. Criteria: ClinGen Platelet ACMG Specifications v2-1. Collection method: curation. Allele origin: germline. Inheritance: Autosomal recessive inheritance.
Comment: The NM_000212.2(ITGB3):c.1199G>A (p.Cys400Tyr) missense has been identified in at least 4 probands, including GT11 and GT15a of PMID: 29675921 meeting the criteria for PP4_strong; including mucocutaneous bleeding, impaired aggregation with all agonists except ristocetin, and reduced surface expression of αIIbβ3 measured by flow cytometry. ITGA2B and ITGB3 were sequenced across all exons and intron/exon boundaries. Siblings GT15a and GT15b are both compound heterozygous for Cys400Tyr and pathogenic variant c.1525del (PP1; PMID: 29675921) with confirmation of trans phase was reported in PMID: 18788610. Additionally, two homozygous patients have been reported (PMIDs: 8781422, 35198519) (PM3_Strong). This variant is absent from gnomAD v4.1.0 (PM2_Supporting). The computational predictor REVEL gives a score of 0.968, which predicts a damaging effect on ITGB3 function (PP3). In summary, this variant meets the criteria to be classified as Pathogenic for autosomal recessive Glanzmann Thrombasthenia based on the ACMG/AMP criteria applied, as specified by the ClinGen PD VCEP: PM2_supporting, PM3_strong, PP1, PP3, PP4_strong. (VCEP specifications version 2; date of approval 06/06/2024)

Labcorp Genetics (formerly Invitae), Labcorp
Classification: Pathogenic. Last evaluated: 2023-04-15. Review status: criteria provided, single submitter. Criteria: Invitae Variant Classification Sherloc (09022015). Collection method: clinical testing. Allele origin: germline. Not counted in ClinVar's aggregate classification.
Comment: This sequence change replaces cysteine, which is neutral and slightly polar, with tyrosine, which is neutral and polar, at codon 400 of the ITGB3 protein (p.Cys400Tyr). This variant is not present in population databases (gnomAD no frequency). This missense change has been observed in individual(s) with Glanzmann thrombasthenia (PMID: 8781422, 29675921, 35198519). In at least one individual the data is consistent with being in trans (on the opposite chromosome) from a pathogenic variant. It has also been observed to segregate with disease in related individuals. This variant is also known as Cys374Tyr. ClinVar contains an entry for this variant (Variation ID: 13562). Advanced modeling of protein sequence and biophysical properties (such as structural, functional, and spatial information, amino acid conservation, physicochemical variation, residue mobility, and thermodynamic stability) performed at Invitae indicates that this missense variant is expected to disrupt ITGB3 protein function. For these reasons, this variant has been classified as Pathogenic. Experimental studies have shown that this missense change affects ITGB3 function (PMID: 8781422).

OMIM
Classification: Pathogenic for GLANZMANN THROMBASTHENIA 2. Last evaluated: 1996-09-01. Review status: no assertion criteria provided. Collection method: literature only. Allele origin: germline. Not counted in ClinVar's aggregate classification.

Literature cited by the submitters: PubMed 8781422 (cited by Labcorp Genetics (formerly Invitae), Labcorp and OMIM); PubMed 29675921 (cited by Labcorp Genetics (formerly Invitae), Labcorp); PubMed 35198519 (cited by Labcorp Genetics (formerly Invitae), Labcorp).